The following is an entry in ClinVar:

ClinVar aggregate classification (germline): Likely pathogenic (1 of 4 stars; one submission).

Conditions:
Intellectual disability-microcephaly-strabismus-behavioral abnormalities syndrome. Also called: White-Sutton Syndrome. Identifiers: Orphanet 468678, MedGen C4225351, MONDO:0014606, OMIM 616364.

Submission:

3billion
Classification: Likely pathogenic for Intellectual disability-microcephaly-strabismus-behavioral abnormalities syndrome. Last evaluated: 2025-02-21. Review status: criteria provided, single submitter. Criteria: ACMG Guidelines, 2015. Collection method: clinical testing. Allele origin: germline. Affected: yes.
Comment: The variant is not observed in the gnomAD v4.1.0 dataset. Predicted Consequence/Location: Stop-gained (nonsense): predicted to result in a loss or disruption of normal protein function through nonsense-mediated decay (NMD) or protein truncation. Multiple pathogenic variants are reported downstream of the variant. Therefore, this variant is classified as Likely pathogenic according to the recommendation of ACMG/AMP guideline.

NM_015100.4(POGZ):c.490C>T (p.Gln164Ter)

Gene: POGZ (pogo transposable element derived with ZNF domain; minus strand). Cytogenetic location: 1q21.3.
Variant type: single nucleotide variant.
Coding change: c.490C>T on transcript NM_015100.4 (MANE Select); coding-DNA position 490, C replaced by T.
Protein change: p.Gln164Ter; replaces glutamine 164 with a stop codon.
Molecular consequence: nonsense. On other transcripts: intron variant (1).
Genome position (GRCh38, 1-based): chr1:151,429,681, G>A on the plus strand (C>T on the coding strand, the complement: POGZ is on the minus strand). VCF-style: chr1-151429681-G-A. GRCh37 (hg19) VCF-style: chr1-151402157-G-A.
Other names: c.490C>T, p.Gln164Ter (NM_001194937.2); c.331C>T, p.Gln111Ter (NM_001194938.2, NM_207171.2); c.511C>T, p.Gln171Ter (NM_001410860.1); c.284-1268C>T (NM_145796.4); short protein forms Q111*, Q164*, Q171*.
Identifiers: ClinVar variation 4294051 (VCV004294051.1).
Genomic context (GRCh38, chr1:151,429,681, plus strand): 5'-GTCTAACCGTTTGGCCTTGCTGTACGTTCAGCACAATCCCAACCTGATTCATTGCATTTT[G>A]TACAGGCCGGACATTCCTTACAGGAAATCCCTGTATTAAAAAGCAAAATGATCTTTAACA-3'